The following is an entry in ClinVar:

ClinVar aggregate classification (germline): Benign (0 of 4 stars; one submission).

Conditions:
REV3L-related disorder. Also called: REV3L-related condition.

Allele frequency attached by ClinVar (database versions not stated): gnomAD 0.05535; TOPMed 0.05617; ExAC 0.05717; ESP Exome Variant Server 0.06067; gnomAD exomes 0.06170; 1000 Genomes Project 0.04034; 1000 Genomes Project 30x 0.04122.

Submissions (6):

PreventionGenetics, part of Exact Sciences
Classification: Benign for REV3L-related condition. Last evaluated: 2019-03-01. Review status: no assertion criteria provided. Collection method: clinical testing. Allele origin: germline.
Comment: This variant is classified as benign based on ACMG/AMP sequence variant interpretation guidelines (Richards et al. 2015 PMID: 25741868, with internal and published modifications).

Dr. Peter K. Rogan Lab, Western University
No classification provided (evidence only). Condition: Thymoma. Review status: no classification provided. Collection method: in vitro. Allele origin: not applicable. Functional consequence: retained intron. Not counted in ClinVar's aggregate classification.

Dr. Peter K. Rogan Lab, Western University
No classification provided (evidence only). Condition: Uterine carcinosarcoma. Review status: no classification provided. Collection method: in vitro. Allele origin: not applicable. Functional consequence: retained intron. Not counted in ClinVar's aggregate classification.

Dr. Peter K. Rogan Lab, Western University
No classification provided (evidence only). Condition: Uveal melanoma. Review status: no classification provided. Collection method: in vitro. Allele origin: not applicable. Functional consequence: retained intron. Not counted in ClinVar's aggregate classification.

Dr. Peter K. Rogan Lab, Western University
No classification provided (evidence only). Condition: Uveal melanoma. Review status: no classification provided. Collection method: in vitro. Allele origin: not applicable. Functional consequence: retained intron. Not counted in ClinVar's aggregate classification.

Dr. Peter K. Rogan Lab, Western University
No classification provided (evidence only). Condition: Uveal melanoma. Review status: no classification provided. Collection method: in vitro. Allele origin: not applicable. Functional consequence: retained intron. Not counted in ClinVar's aggregate classification.

NM_001372078.1(REV3L):c.3467A>G (p.Tyr1156Cys)

Gene: REV3L (REV3 like, DNA directed polymerase zeta catalytic subunit; minus strand). Cytogenetic location: 6q21.
Variant type: single nucleotide variant.
Coding change: c.3467A>G on transcript NM_001372078.1 (MANE Select); coding-DNA position 3467, A replaced by G.
Protein change: p.Tyr1156Cys; replaces tyrosine 1156 with cysteine.
Molecular consequence: missense variant.
Genome position (GRCh38, 1-based): chr6:111,374,888, T>C on the plus strand (A>G on the coding strand, the complement: REV3L is on the minus strand). VCF-style: chr6-111374888-T-C. GRCh37 (hg19) VCF-style: chr6-111696091-T-C.
Other names: NC_000006.11:g.111696091T>C; c.3233A>G, p.Tyr1078Cys (NM_001286431.2, NM_001286432.2); c.3467A>G, p.Tyr1156Cys (NM_002912.5); short protein forms Y1078C, Y1156C.
Identifiers: ClinVar variation 3037951 (VCV003037951.3), dbSNP rs458017, ClinGen allele CA3962195.